The following is an entry in ClinVar:

NM_000260.4(MYO7A):c.1076_1077dup (p.Glu360fs)

Gene: MYO7A (myosin VIIA; plus strand). Cytogenetic location: 11q13.5.
Variant type: Duplication.
Coding change: c.1076_1077dup on transcript NM_000260.4 (MANE Select); coding-DNA positions 1076 to 1077, 2 bases duplicated (TT; older notation c.1076_1077dupTT).
Protein change: p.Glu360fs; shifts the reading frame from glutamic acid 360.
Molecular consequence: frameshift variant.
Genome position (GRCh38, 1-based): chr11:77,159,519-77,159,520, TT duplicated. VCF-style (leftmost placement, unchanged base first): chr11-77159518-C-CTT. GRCh37 (hg19) VCF-style: chr11-76870564-C-CTT.
Other names: c.1076_1077dup, p.Glu360fs (NM_001127180.2); c.1043_1044dup, p.Glu349fs (NM_001369365.1); short protein forms E349fs, E360fs.
Identifiers: ClinVar variation 2029065 (VCV002029065.5), dbSNP rs2496812259, ClinGen allele CA2580084951.

ClinVar aggregate classification (germline): Pathogenic. Review status: criteria provided, multiple submitters, no conflicts (2 of 4 stars). 2 submissions from 2 submitters: Pathogenic (2). Last evaluated 2026-03-21.

Conditions:
Usher syndrome type 1 (USH1). Also called: RETINITIS PIGMENTOSA AND CONGENITAL DEAFNESS. Identifiers: Orphanet 231169, Orphanet 886, MedGen C1568247, MONDO:0010168, OMIM 276900.

Submissions (2):

Myriad Genetics, Inc.
Classification: Pathogenic for Usher syndrome type 1. Last evaluated: 2026-03-21. Review status: criteria provided, single submitter. Criteria: Myriad Autosomal Dominant, Autosomal Recessive and X-Linked Classification Criteria (2023). Collection method: clinical testing. Allele origin: unknown.
Comment: NM_000260.3(MYO7A):c.1076_1077dupTT(E360Lfs*3) is expected to be pathogenic in the context of MYO7A-related disorders. This variant is predicted to lead to an abnormal or absent protein product due to the creation of a premature termination codon in MYO7A, a gene where loss-of-function variants are known to be pathogenic. Please note: this variant was assessed in the context of healthy population screening.

Labcorp Genetics (formerly Invitae), Labcorp
Classification: Pathogenic. Last evaluated: 2022-09-05. Review status: criteria provided, single submitter. Criteria: Invitae Variant Classification Sherloc (09022015). Collection method: clinical testing. Allele origin: germline.
Comment: For these reasons, this variant has been classified as Pathogenic. This variant has not been reported in the literature in individuals affected with MYO7A-related conditions. This variant is not present in population databases (gnomAD no frequency). This sequence change creates a premature translational stop signal (p.Glu360Leufs*3) in the MYO7A gene. It is expected to result in an absent or disrupted protein product. Loss-of-function variants in MYO7A are known to be pathogenic (PMID: 8900236, 25404053).

Literature cited by the submitters: PubMed 8900236 (cited by Labcorp Genetics (formerly Invitae), Labcorp); PubMed 25404053 (cited by Labcorp Genetics (formerly Invitae), Labcorp).